The following is an entry in ClinVar:

ClinVar aggregate classification (germline): Uncertain significance (1 of 4 stars; one submission).

gnomAD v4.1: 7 of 1,613,550 alleles (0.00043%); highest among the groups gnomAD compares: Non-Finnish European, 0.00059%; no homozygotes.

Submission:

Labcorp Genetics (formerly Invitae), Labcorp
Classification: Uncertain significance. Last evaluated: 2025-01-12. Review status: criteria provided, single submitter. Criteria: Invitae Variant Classification Sherloc (09022015). Collection method: clinical testing. Allele origin: germline.
Comment: This sequence change affects codon 1576 of the CHD8 mRNA. It is a 'silent' change, meaning that it does not change the encoded amino acid sequence of the CHD8 protein. It affects a nucleotide within the consensus splice site. This variant is present in population databases (rs749222217, gnomAD 0.003%). This variant has not been reported in the literature in individuals affected with CHD8-related conditions. Algorithms developed to predict the effect of sequence changes on RNA splicing suggest that this variant is not likely to affect RNA splicing. In summary, the available evidence is currently insufficient to determine the role of this variant in disease. Therefore, it has been classified as a Variant of Uncertain Significance.

NM_001170629.2(CHD8):c.4728G>A (p.Lys1576=)

Gene: CHD8 (chromodomain helicase DNA binding protein 8; minus strand). Cytogenetic location: 14q11.2.
Variant type: single nucleotide variant.
Coding change: c.4728G>A on transcript NM_001170629.2 (MANE Select); coding-DNA position 4728, G replaced by A.
Protein change: p.Lys1576=; no amino-acid change (lysine 1576 retained).
Molecular consequence: synonymous variant.
Genome position (GRCh38, 1-based): chr14:21,400,070, C>T on the plus strand (G>A on the coding strand, the complement: CHD8 is on the minus strand). VCF-style: chr14-21400070-C-T. GRCh37 (hg19) VCF-style: chr14-21868229-C-T.
Other names: c.3891G>A, p.Lys1297= (NM_020920.4).
Identifiers: ClinVar variation 3618407 (VCV003618407.2).